The following is an entry in ClinVar:

NM_002161.6(IARS1):c.1982G>A (p.Arg661His)

Gene: IARS1 (isoleucyl-tRNA synthetase 1; minus strand). Cytogenetic location: 9q22.31.
Variant type: single nucleotide variant.
Coding change: c.1982G>A on transcript NM_002161.6 (MANE Select); coding-DNA position 1982, G replaced by A.
Protein change: p.Arg661His; replaces arginine 661 with histidine.
Molecular consequence: missense variant. On other transcripts: non-coding transcript variant (1).
Genome position (GRCh38, 1-based): chr9:92,258,888, C>T on the plus strand (G>A on the coding strand, the complement: IARS1 is on the minus strand). VCF-style: chr9-92258888-C-T. GRCh37 (hg19) VCF-style: chr9-95021170-C-T.
Other names: c.1982G>A, p.Arg661His (NM_001374299.1, NM_001374300.1, NM_001378572.1 and 13 more transcripts); c.1898G>A, p.Arg633His (NM_001374301.1); c.2045G>A, p.Arg682His (NM_001378569.1); c.2003G>A, p.Arg668His (NM_001378571.1); c.1859G>A, p.Arg620His (NM_001378583.1); c.1982G>A (NM_013417.2); short protein forms R620H, R682H, R661H, R633H, R668H.
Identifiers: ClinVar variation 1983817 (VCV001983817.4), dbSNP rs374796955, ClinGen allele CA5122436.

ClinVar aggregate classification (germline): Uncertain significance. Review status: criteria provided, multiple submitters, no conflicts (2 of 4 stars). 2 submissions from 2 submitters: Uncertain significance (2). Last evaluated 2024-09-23.

Allele frequency attached by ClinVar (database versions not stated): ExAC 0.00003; gnomAD 0.00003; TOPMed 0.00004; ESP Exome Variant Server 0.00015.
gnomAD v4.1: 113 of 1,612,824 alleles (0.007%); highest among the groups gnomAD compares: Non-Finnish European, 0.0091%; no homozygotes.

Submissions (2):

Labcorp Genetics (formerly Invitae), Labcorp
Classification: Uncertain significance. Last evaluated: 2024-09-23. Review status: criteria provided, single submitter. Criteria: Invitae Variant Classification Sherloc (09022015). Collection method: clinical testing. Allele origin: germline.
Comment: This sequence change replaces arginine, which is basic and polar, with histidine, which is basic and polar, at codon 661 of the IARS protein (p.Arg661His). This variant is present in population databases (rs374796955, gnomAD 0.003%). This variant has not been reported in the literature in individuals affected with IARS-related conditions. ClinVar contains an entry for this variant (Variation ID: 1983817). An algorithm developed to predict the effect of missense changes on protein structure and function (PolyPhen-2) suggests that this variant is likely to be disruptive. In summary, the available evidence is currently insufficient to determine the role of this variant in disease. Therefore, it has been classified as a Variant of Uncertain Significance.

Ambry Genetics
Classification: Uncertain significance. Last evaluated: 2024-02-28. Review status: criteria provided, single submitter. Criteria: Ambry Variant Classification Scheme 2023. Collection method: clinical testing. Allele origin: germline.